The following is an entry in ClinVar:

NM_001194998.2(CEP152):c.767T>C (p.Ile256Thr)

Gene: CEP152 (centrosomal protein 152; minus strand). Cytogenetic location: 15q21.1.
Variant type: single nucleotide variant.
Coding change: c.767T>C on transcript NM_001194998.2 (MANE Select); coding-DNA position 767, T replaced by C.
Protein change: p.Ile256Thr; replaces isoleucine 256 with threonine.
Molecular consequence: missense variant.
Genome position (GRCh38, 1-based): chr15:48,793,386, A>G on the plus strand (T>C on the coding strand, the complement: CEP152 is on the minus strand). VCF-style: chr15-48793386-A-G. GRCh37 (hg19) VCF-style: chr15-49085583-A-G.
Other names: c.767T>C, p.Ile256Thr (NM_014985.4); c.767T>C (NM_001194998.1); short protein forms I256T.
Identifiers: ClinVar variation 316430 (VCV000316430.24), dbSNP rs201217824, ClinGen allele CA7549037.

ClinVar aggregate classification (germline): Conflicting classifications of pathogenicity. Review status: criteria provided, conflicting classifications (1 of 4 stars). 9 submissions from 8 submitters: Uncertain significance (2); Benign (1); Likely benign (3). 3 of the submissions do not count toward it. Last evaluated 2025-07-30.

Conditions:
CEP152-related disorder. Also called: CEP152-related condition; CEP152-related disorders. Identifiers: MedGen CN239248.
Seckel syndrome 5 (SCKL5). Identifiers: Orphanet 808, MedGen C3151187, MONDO:0013443, OMIM 613823.
Inborn genetic diseases. Identifiers: MedGen C0950123, MeSH D030342.
Microcephaly 9, primary, autosomal recessive. Identifiers: Orphanet 2512, MedGen C3553886, MONDO:0013923, OMIM 614852.

Allele frequency attached by ClinVar (database versions not stated): gnomAD exomes 0.00012 and 0.00027; ExAC 0.00028; ESP Exome Variant Server 0.00093; gnomAD 0.00115 and 0.00120; 1000 Genomes Project 0.00120; TOPMed 0.00122; 1000 Genomes Project 30x 0.00156.

Submissions (9):

Labcorp Genetics (formerly Invitae), Labcorp
Classification: Benign. Last evaluated: 2025-07-30. Review status: criteria provided, single submitter. Criteria: Invitae Variant Classification Sherloc (09022015). Collection method: clinical testing. Allele origin: germline.

Ambry Genetics
Classification: Likely benign for Inborn genetic diseases. Last evaluated: 2022-06-13. Review status: criteria provided, single submitter. Criteria: Ambry Variant Classification Scheme 2023. Collection method: clinical testing. Allele origin: germline.

GeneDx
Classification: Likely benign. Last evaluated: 2019-07-01. Review status: criteria provided, single submitter. Criteria: GeneDx Variant Classification Process June 2021. Collection method: clinical testing. Allele origin: germline. Affected: yes.

Illumina Laboratory Services, Illumina
Classification: Uncertain significance for Microcephaly 9, primary, autosomal recessive. Last evaluated: 2018-01-13. Review status: criteria provided, single submitter. Criteria: ICSL Variant Classification Criteria 13 December 2019. Collection method: clinical testing. Allele origin: germline.

Illumina Laboratory Services, Illumina
Classification: Uncertain significance for Seckel syndrome 5. Last evaluated: 2018-01-13. Review status: criteria provided, single submitter. Criteria: ICSL Variant Classification Criteria 13 December 2019. Collection method: clinical testing. Allele origin: germline.

Eurofins Ntd Llc (ga)
Classification: Likely benign. Last evaluated: 2017-06-13. Review status: criteria provided, single submitter. Criteria: EGL Classification Definitions 2015. Collection method: clinical testing. Allele origin: germline. Observed: 1 variant allele, 1 heterozygote.

PreventionGenetics, part of Exact Sciences
Classification: Likely benign for CEP152-related condition. Last evaluated: 2023-02-24. Review status: no assertion criteria provided. Collection method: clinical testing. Allele origin: germline. Not counted in ClinVar's aggregate classification.
Comment: This variant is classified as likely benign based on ACMG/AMP sequence variant interpretation guidelines (Richards et al. 2015 PMID: 25741868, with internal and published modifications).

Clinical Genetics DNA and cytogenetics Diagnostics Lab, Erasmus MC, Erasmus Medical Center
Classification: Likely benign. Review status: no assertion criteria provided. Collection method: clinical testing. Allele origin: germline. Affected: yes. Study: VKGL Data-share Consensus. Not counted in ClinVar's aggregate classification.

Laboratory of Diagnostic Genome Analysis, Leiden University Medical Center (LUMC)
Classification: Likely benign. Review status: no assertion criteria provided. Collection method: clinical testing. Allele origin: germline. Affected: yes. Study: VKGL Data-share Consensus. Not counted in ClinVar's aggregate classification.